The following is an entry in ClinVar:

NM_003742.4(ABCB11):c.1676T>C (p.Met559Thr)

Gene: ABCB11 (ATP binding cassette subfamily B member 11; minus strand). Cytogenetic location: 2q31.1.
Variant type: single nucleotide variant.
Coding change: c.1676T>C on transcript NM_003742.4 (MANE Select); coding-DNA position 1676, T replaced by C.
Protein change: p.Met559Thr; replaces methionine 559 with threonine.
Molecular consequence: missense variant.
Genome position (GRCh38, 1-based): chr2:168,970,178, A>G on the plus strand (T>C on the coding strand, the complement: ABCB11 is on the minus strand). VCF-style: chr2-168970178-A-G. GRCh37 (hg19) VCF-style: chr2-169826688-A-G.
Other names: short protein forms M559T.
Identifiers: ClinVar variation 4846102 (VCV004846102.1).

ClinVar aggregate classification (germline): Uncertain significance (1 of 4 stars; one submission).

Conditions:
Familial intrahepatic cholestasis. Identifiers: Orphanet 284385, MedGen CN296401, MONDO:0017290.

gnomAD v4.1: 1 of 1,612,538 alleles (0.000062%); highest among the groups gnomAD compares: Non-Finnish European, 0.000085%; no homozygotes.

Submission:

Genomenon, Inc
Classification: Uncertain significance for Familial intrahepatic cholestasis. Last evaluated: 2026-04-14. Review status: criteria provided, single submitter. Criteria: Genomenon Sequence Variant Interpretation Standards - Updated. Collection method: curation. Allele origin: germline. Affected: yes.
Comment: ABCB11 p.Met559Thr (c.1676T>C) is a missense variant that changes the amino acid at residue 559 from Methionine to Threonine. This variant has been observed in at least one proband with an ABCB11-related disorder (PMID:34828443). It is absent or not present at a significant frequency in gnomAD. In silico models predict that this variant is possibly or probably damaging. In conclusion, we classify ABCB11 p.Met559Thr (c.1676T>C) as a variant of uncertain significance.

Literature cited by the submitters: PubMed 34828443.